The following is an entry in ClinVar:

NM_001378969.1(KCND3):c.1768C>T (p.Arg590Cys)

Gene: KCND3 (potassium voltage-gated channel subfamily D member 3; minus strand). Cytogenetic location: 1p13.2.
Variant type: single nucleotide variant.
Coding change: c.1768C>T on transcript NM_001378969.1 (MANE Select); coding-DNA position 1768, C replaced by T.
Protein change: p.Arg590Cys; replaces arginine 590 with cysteine.
Molecular consequence: missense variant.
Genome position (GRCh38, 1-based): chr1:111,776,277, G>A on the plus strand (C>T on the coding strand, the complement: KCND3 is on the minus strand). VCF-style: chr1-111776277-G-A. GRCh37 (hg19) VCF-style: chr1-112318899-G-A.
Other names: c.1711C>T, p.Arg571Cys (NM_001378970.1, NM_172198.3); c.1768C>T, p.Arg590Cys (NM_004980.5); short protein forms R571C, R590C.
Identifiers: ClinVar variation 4858617 (VCV004858617.1).

ClinVar aggregate classification (germline): Uncertain significance (1 of 4 stars; one submission).

Conditions:
Cardiovascular phenotype. Identifiers: MedGen CN230736.

gnomAD v4.1: 2 of 1,613,500 alleles (0.00012%); highest among the groups gnomAD compares: Non-Finnish European, 0.000085%; no homozygotes.

Submission:

Ambry Genetics
Classification: Uncertain significance for Cardiovascular phenotype. Last evaluated: 2026-05-28. Review status: criteria provided, single submitter. Criteria: Ambry Variant Classification Scheme 2023. Collection method: clinical testing. Allele origin: germline.
Comment: The p.R590C variant (also known as c.1768C>T), located in coding exon 7 of the KCND3 gene, results from a C to T substitution at nucleotide position 1768. The arginine at codon 590 is replaced by cysteine, an amino acid with highly dissimilar properties. This amino acid position is conserved. In addition, this alteration is predicted to be deleterious by in silico analysis. Based on the available evidence, the clinical significance of this variant remains unclear.